The following is an entry in ClinVar:

ClinVar aggregate classification (germline): Uncertain significance (1 of 4 stars; one submission).

Conditions:
KMT2D-related disorder. Also called: KMT2D-Related Disorders.

Submission:

PreventionGenetics, part of Exact Sciences
Classification: Uncertain significance for KMT2D-related condition. Last evaluated: 2025-11-30. Review status: criteria provided, single submitter. Criteria: ACMG Guidelines, 2015. Collection method: clinical testing. Allele origin: germline.
Comment: The KMT2D c.3113C>T variant is predicted to result in the amino acid substitution p.Pro1038Leu. To our knowledge, this variant has not been reported in the literature or in a large population database (gnomAD), indicating this variant is rare. At this time, the clinical significance of this variant is uncertain due to the absence of conclusive functional and genetic evidence.

NM_003482.4(KMT2D):c.3113C>T (p.Pro1038Leu)

Gene: KMT2D (lysine methyltransferase 2D; minus strand). Cytogenetic location: 12q13.12.
Variant type: single nucleotide variant.
Coding change: c.3113C>T on transcript NM_003482.4 (MANE Select); coding-DNA position 3113, C replaced by T.
Protein change: p.Pro1038Leu; replaces proline 1038 with leucine.
Molecular consequence: missense variant.
Genome position (GRCh38, 1-based): chr12:49,050,475, G>A on the plus strand (C>T on the coding strand, the complement: KMT2D is on the minus strand). VCF-style: chr12-49050475-G-A. GRCh37 (hg19) VCF-style: chr12-49444258-G-A.
Other names: short protein forms P1038L.
Identifiers: ClinVar variation 4995523 (VCV004995523.1).
Genomic context (GRCh38, chr12:49,050,475, plus strand): 5'-ATGGGACTCAACGGGGAGGGAACGGACAGTGGTAGGGCAGGAGGAGAGCACTGGGAAGGA[G>A]GGGAGTTTTGGGGAACCAGGGAATGCTGAAGGAGTGGCGAACACTGAGGAGGAAGGGGCT-3'
Protein context (NP_003473.3, residues 1028-1048): LQHSLVPQNS[Pro1038Leu]PSQCSPPALP